The following is an entry in ClinVar:

NM_000271.5(NPC1):c.3597del (p.Phe1199fs)

Gene: NPC1 (NPC intracellular cholesterol transporter 1; minus strand). Cytogenetic location: 18q11.2.
Variant type: Deletion.
Coding change: c.3597del on transcript NM_000271.5 (MANE Select); coding-DNA position 3597, one base deleted (C; older notation c.3597delC).
Protein change: p.Phe1199fs; shifts the reading frame from phenylalanine 1199.
Molecular consequence: frameshift variant.
Genome position (GRCh38, 1-based): chr18:23,533,512, G deleted on the plus strand (C on the coding strand, the reverse complement: NPC1 is on the minus strand). VCF-style (leftmost placement, unchanged base first): chr18-23533511-TG-T. GRCh37 (hg19) VCF-style: chr18-21113475-TG-T.
Other names: short protein forms F1199fs.
Identifiers: ClinVar variation 852244 (VCV000852244.9), dbSNP rs2058574038, ClinGen allele CA916083635.

ClinVar aggregate classification (germline): Pathogenic (1 of 4 stars; one submission).

Conditions:
Niemann-Pick disease, type C1. Also called: NEUROVISCERAL STORAGE DISEASE WITH VERTICAL SUPRANUCLEAR OPHTHALMOPLEGIA; NIEMANN-PICK DISEASE WITH CHOLESTEROL ESTERIFICATION BLOCK; NIEMANN-PICK DISEASE WITHOUT SPHINGOMYELINASE DEFICIENCY; NIEMANN-PICK DISEASE, CHRONIC NEURONOPATHIC FORM; NIEMANN-PICK DISEASE, VARIANT TYPE C1. Identifiers: Orphanet 646, MedGen C3179455, MONDO:0009757, OMIM 257220.

Submission:

Labcorp Genetics (formerly Invitae), Labcorp
Classification: Pathogenic for Niemann-Pick disease, type C1. Last evaluated: 2023-03-23. Review status: criteria provided, single submitter. Criteria: Invitae Variant Classification Sherloc (09022015). Collection method: clinical testing. Allele origin: germline.
Comment: This variant is not present in population databases (gnomAD no frequency). This sequence change creates a premature translational stop signal (p.Phe1199Leufs*43) in the NPC1 gene. While this is not anticipated to result in nonsense mediated decay, it is expected to disrupt the last 80 amino acid(s) of the NPC1 protein. This variant has not been reported in the literature in individuals affected with NPC1-related conditions. ClinVar contains an entry for this variant (Variation ID: 852244). This variant disrupts a region of the NPC1 protein in which other variant(s) (p.Thr1205Arg) have been determined to be pathogenic (PMID: 11182931, 12955717, 15130691, 22676771, 23430855, 25236789). This suggests that this is a clinically significant region of the protein, and that variants that disrupt it are likely to be disease-causing. For these reasons, this variant has been classified as Pathogenic.

Literature cited by the submitters: PubMed 11182931; PubMed 12955717; PubMed 15130691; PubMed 22676771; PubMed 23430855; PubMed 25236789.